The following is an entry in ClinVar:

ClinVar aggregate classification (germline): Uncertain significance (1 of 4 stars; one submission).

Conditions:
Myofibrillar myopathy 5. Also called: Filaminopathy (type); FILAMINOPATHY, AUTOSOMAL DOMINANT. Identifiers: Orphanet 171445, MedGen C1836050, MONDO:0012289, OMIM 609524.
Distal myopathy with posterior leg and anterior hand involvement. Also called: WILLIAMS DISTAL MYOPATHY. Identifiers: Orphanet 63273, MedGen C3279722, MONDO:0013550, OMIM 614065.
Hypertrophic cardiomyopathy 26. Also called: Cardiomyopathy, familial hypertrophic, 26. Identifiers: Orphanet 75249, MedGen C4310749, MONDO:0014883, OMIM 617047.

Submission:

Labcorp Genetics (formerly Invitae), Labcorp
Classification: Uncertain significance for Distal myopathy with posterior leg and anterior hand involvement; Myofibrillar myopathy 5; Hypertrophic cardiomyopathy 26. Last evaluated: 2021-05-19. Review status: criteria provided, single submitter. Criteria: Invitae Variant Classification Sherloc (09022015). Collection method: clinical testing. Allele origin: germline.
Comment: Algorithms developed to predict the effect of missense changes on protein structure and function are either unavailable or do not agree on the potential impact of this missense change (SIFT: "Deleterious"; PolyPhen-2: "Probably Damaging"; Align-GVGD: "Class C0"). This variant has not been reported in the literature in individuals with FLNC-related conditions. This variant is not present in population databases (ExAC no frequency). In summary, the available evidence is currently insufficient to determine the role of this variant in disease. Therefore, it has been classified as a Variant of Uncertain Significance. This sequence change replaces glycine with arginine at codon 2506 of the FLNC protein (p.Gly2506Arg). The glycine residue is highly conserved and there is a moderate physicochemical difference between glycine and arginine.

NM_001458.5(FLNC):c.7516G>C (p.Gly2506Arg)

Genes: FLNC (filamin C; plus strand), FLNC-AS1 (FLNC antisense RNA 1; minus strand). Cytogenetic location: 7q32.1.
Variant type: single nucleotide variant.
Coding change: c.7516G>C on transcript NM_001458.5 (MANE Select); coding-DNA position 7516, G replaced by C.
Protein change: p.Gly2506Arg; replaces glycine 2506 with arginine.
Molecular consequence: missense variant.
Genome position (GRCh38, 1-based): chr7:128,856,876, G>C. VCF-style: chr7-128856876-G-C. GRCh37 (hg19) VCF-style: chr7-128496930-G-C.
Other names: c.7417G>C, p.Gly2473Arg (NM_001127487.2); short protein forms G2473R, G2506R.
Identifiers: ClinVar variation 1355084 (VCV001355084.8), dbSNP rs1809085479, ClinGen allele CA369218773.